The following is an entry in ClinVar:

NM_000215.4(JAK3):c.941A>G (p.Glu314Gly)

Gene: JAK3 (Janus kinase 3; minus strand). Cytogenetic location: 19p13.11.
Variant type: single nucleotide variant.
Coding change: c.941A>G on transcript NM_000215.4 (MANE Select); coding-DNA position 941, A replaced by G.
Protein change: p.Glu314Gly; replaces glutamic acid 314 with glycine.
Molecular consequence: missense variant.
Genome position (GRCh38, 1-based): chr19:17,841,683, T>C on the plus strand (A>G on the coding strand, the complement: JAK3 is on the minus strand). VCF-style: chr19-17841683-T-C. GRCh37 (hg19) VCF-style: chr19-17952492-T-C.
Other names: short protein forms E314G.
Identifiers: ClinVar variation 2134588 (VCV002134588.4), dbSNP rs1203292162, ClinGen allele CA404771892.

ClinVar aggregate classification (germline): Uncertain significance (1 of 4 stars; one submission).

Conditions:
T-B+ severe combined immunodeficiency due to JAK3 deficiency. Also called: SCID, autosomal recessive, T-negative/B-positive type; SCID, T CELL-NEGATIVE, B CELL-POSITIVE, NK CELL-NEGATIVE. Identifiers: Orphanet 35078, MedGen C1833275, MONDO:0010938, OMIM 600802.

Allele frequency attached by ClinVar (database versions not stated): gnomAD exomes below 0.00001; gnomAD 0.00001.

Submission:

Labcorp Genetics (formerly Invitae), Labcorp
Classification: Uncertain significance for T-B+ severe combined immunodeficiency due to JAK3 deficiency. Last evaluated: 2023-06-08. Review status: criteria provided, single submitter. Criteria: Invitae Variant Classification Sherloc (09022015). Collection method: clinical testing. Allele origin: germline.
Comment: In summary, the available evidence is currently insufficient to determine the role of this variant in disease. Therefore, it has been classified as a Variant of Uncertain Significance. An algorithm developed to predict the effect of missense changes on protein structure and function (PolyPhen-2) suggests that this variant is likely to be disruptive. ClinVar contains an entry for this variant (Variation ID: 2134588). This variant has not been reported in the literature in individuals affected with JAK3-related conditions. This variant is present in population databases (no rsID available, gnomAD 0.01%). This sequence change replaces glutamic acid, which is acidic and polar, with glycine, which is neutral and non-polar, at codon 314 of the JAK3 protein (p.Glu314Gly).